The following is an entry in ClinVar:

NM_000535.7(PMS2):c.2193_2217delinsT (p.Leu731_Leu739delinsPhe)

Gene: PMS2 (PMS1 homolog 2, mismatch repair system component; minus strand). Cytogenetic location: 7p22.1.
Variant type: Indel.
Coding change: c.2193_2217delinsT on transcript NM_000535.7 (MANE Select); coding-DNA positions 2193 to 2217, AACTGCTGTTAATGAAGCTGTTCTG replaced by T.
Protein change: p.Leu731_Leu739delinsPhe.
Molecular consequence: inframe indel. On other transcripts: non-coding transcript variant (1).
Genome position (GRCh38, 1-based): chr7:5,978,654-5,978,678, CAGAACAGCTTCATTAACAGCAGTT replaced by A on the plus strand (AACTGCTGTTAATGAAGCTGTTCTG replaced by T on the coding strand, the reverse complement: PMS2 is on the minus strand). VCF-style: chr7-5978654-CAGAACAGCTTCATTAACAGCAGTT-A. GRCh37 (hg19) VCF-style: chr7-6018285-CAGAACAGCTTCATTAACAGCAGTT-A.
Other names: c.1788_1812delinsT, p.Leu596_Leu604delinsPhe (NM_001322003.2, NM_001322004.2, NM_001322005.2 and 1 more transcripts); c.2037_2061delinsT, p.Leu679_Leu687delinsPhe (NM_001322006.2); c.1875_1899delinsT, p.Leu625_Leu633delinsPhe (NM_001322007.2, NM_001322008.2); c.1632_1656delinsT, p.Leu544_Leu552delinsPhe (NM_001322010.2); c.1260_1284delinsT, p.Leu420_Leu428delinsPhe (NM_001322011.2, NM_001322012.2); c.1620_1644delinsT, p.Leu540_Leu548delinsPhe (NM_001322013.2); c.2193_2217delinsT, p.Leu731_Leu739delinsPhe (NM_001322014.2); c.1884_1908delinsT, p.Leu628_Leu636delinsPhe (NM_001322015.2).
Identifiers: ClinVar variation 643034 (VCV000643034.7), dbSNP rs1583285870, ClinGen allele CA915944856.

ClinVar aggregate classification (germline): Uncertain significance (1 of 4 stars; one submission).

Conditions:
Hereditary nonpolyposis colorectal neoplasms. Identifiers: MedGen C0009405, MeSH D003123.

Submission:

Labcorp Genetics (formerly Invitae), Labcorp
Classification: Uncertain significance for Hereditary nonpolyposis colorectal neoplasms. Last evaluated: 2018-10-18. Review status: criteria provided, single submitter. Criteria: Invitae Variant Classification Sherloc (09022015). Collection method: clinical testing. Allele origin: germline.
Comment: The frequency data for this variant in the population databases (ExAC) is considered unreliable due to the presence of homologous sequence, such as pseudogenes or paralogs, in the genome. In summary, the available evidence is currently insufficient to determine the role of this variant in disease. Therefore, it has been classified as a Variant of Uncertain Significance. Experimental studies and prediction algorithms are not available for this variant, and the functional significance of the affected amino acid(s) is currently unknown. This variant has not been reported in the literature in individuals with PMS2-related disease. This variant, c.2193_2217delinsT, results in the deletion of 9 amino acids and insertion of 1 amino acid of the PMS2 protein (p.Leu731_Leu739delinsPhe), but otherwise preserves the integrity of the reading frame.